The following is an entry in ClinVar:

NM_001458.5(FLNC):c.2714A>G (p.Gln905Arg)

Gene: FLNC (filamin C; plus strand). Cytogenetic location: 7q32.1.
Variant type: single nucleotide variant.
Coding change: c.2714A>G on transcript NM_001458.5 (MANE Select); coding-DNA position 2714, A replaced by G.
Protein change: p.Gln905Arg; replaces glutamine 905 with arginine.
Molecular consequence: missense variant.
Genome position (GRCh38, 1-based): chr7:128,843,480, A>G. VCF-style: chr7-128843480-A-G. GRCh37 (hg19) VCF-style: chr7-128483534-A-G.
Other names: c.2714A>G, p.Gln905Arg (NM_001127487.2); short protein forms Q905R.
Identifiers: ClinVar variation 1955811 (VCV001955811.6), dbSNP rs2128935996, ClinGen allele CA369193007.
Genomic context (GRCh38, chr7:128,843,480, plus strand): 5'-GGAAGCCCACCCACTTCACGGTGCTGACCAAGGGAGCCGGCAAGGCCAAGCTGGATGTGC[A>G]GTTTGCAGGGACAGCCAAGGGCGAGGTTGTGCGGGACTTTGAGATCATAGACAACCATGA-3'
Protein context (NP_001449.3, residues 895-915): KGAGKAKLDV[Gln905Arg]FAGTAKGEVV

ClinVar aggregate classification (germline): Uncertain significance. Review status: criteria provided, multiple submitters, no conflicts (2 of 4 stars). 2 submissions from 2 submitters: Uncertain significance (2). Last evaluated 2024-04-16.

Conditions:
Myofibrillar myopathy 5. Also called: FILAMINOPATHY, AUTOSOMAL DOMINANT; Filaminopathy (type). Identifiers: Orphanet 171445, MedGen C1836050, MONDO:0012289, OMIM 609524.
Hypertrophic cardiomyopathy 26. Also called: Cardiomyopathy, familial hypertrophic, 26. Identifiers: Orphanet 75249, MedGen C4310749, MONDO:0014883, OMIM 617047.
Distal myopathy with posterior leg and anterior hand involvement. Also called: WILLIAMS DISTAL MYOPATHY. Identifiers: Orphanet 63273, MedGen C3279722, MONDO:0013550, OMIM 614065.

Submissions (2):

Women's Health and Genetics/Laboratory Corporation of America, LabCorp
Classification: Uncertain significance. Last evaluated: 2024-04-16. Review status: criteria provided, single submitter. Criteria: LabCorp Variant Classification Summary - May 2015. Collection method: clinical testing. Allele origin: germline.
Comment: Variant summary: FLNC c.2714A>G (p.Gln905Arg) results in a conservative amino acid change in the encoded protein sequence. Five of five in-silico tools predict a benign effect of the variant on protein function. The variant was absent in 249272 control chromosomes. The available data on variant occurrences in the general population are insufficient to allow any conclusion about variant significance. To our knowledge, no occurrence of c.2714A>G in individuals affected with Cardiomyopathy and no experimental evidence demonstrating its impact on protein function have been reported. ClinVar contains an entry for this variant (Variation ID: 1955811). Based on the evidence outlined above, the variant was classified as uncertain significance.

Labcorp Genetics (formerly Invitae), Labcorp
Classification: Uncertain significance for Distal myopathy with posterior leg and anterior hand involvement; Myofibrillar myopathy 5; Hypertrophic cardiomyopathy 26. Last evaluated: 2022-03-03. Review status: criteria provided, single submitter. Criteria: Invitae Variant Classification Sherloc (09022015). Collection method: clinical testing. Allele origin: germline.
Comment: In summary, the available evidence is currently insufficient to determine the role of this variant in disease. Therefore, it has been classified as a Variant of Uncertain Significance. Algorithms developed to predict the effect of missense changes on protein structure and function (SIFT, PolyPhen-2, Align-GVGD) all suggest that this variant is likely to be tolerated. This variant has not been reported in the literature in individuals affected with FLNC-related conditions. This variant is not present in population databases (gnomAD no frequency). This sequence change replaces glutamine, which is neutral and polar, with arginine, which is basic and polar, at codon 905 of the FLNC protein (p.Gln905Arg).